The following is an entry in ClinVar:

ClinVar aggregate classification (germline): Uncertain significance. Review status: criteria provided, single submitter (1 of 4 stars). 2 submissions from 2 submitters: Uncertain significance (1). 1 of the submissions does not count toward it. Last evaluated 2016-05-16.

Conditions:
Porphobilinogen synthase deficiency. Also called: ALAD DEFICIENCY; DELTA-AMINOLEVULINATE DEHYDRATASE DEFICIENCY; DOSS PORPHYRIA; PORPHYRIA, ALAD; Porphyria due to ALA dehydratase deficiency. Identifiers: Orphanet 100924, MedGen C0268328, MONDO:0013000, OMIM 612740.

Allele frequency attached by ClinVar (database versions not stated): gnomAD exomes below 0.00001 and 0.00001; ExAC 0.00001; gnomAD 0.00001.
gnomAD v4.1: 17 of 1,613,986 alleles (0.0011%); highest among the groups gnomAD compares: Non-Finnish European, 0.0014%; no homozygotes.

Submissions (2):

Laboratory for Molecular Medicine, Mass General Brigham Personalized Medicine
Classification: Uncertain significance. Last evaluated: 2016-05-16. Review status: criteria provided, single submitter. Criteria: LMM Criteria. Collection method: clinical testing. Allele origin: germline. Inheritance: Autosomal recessive inheritance. Observed: 1 variant allele.
Comment: Variant classified as Uncertain Significance - Favor Pathogenic. The p.Arg240Trp variant in ALAD has been reported in one individual with ALAD deficiency porphy ria in the compound heterozygous state (Ishida 1992), although the second varian t identified did not have sufficient evidence to be classified as pathogenic eit her. This variant has been identified 1/121212 of chromosomes by the Exome Aggre gation Consortium (ExAC; dbSNP rs121912982). Alt hough this variant has been seen in the general population, its frequency is low enough to be consistent with a recessive carrier frequency. In vitro functional studies provide some evidence that the p.Arg240Trp variant may impact protein f unction (Ishida 1992, Maruno 2001); however, these types of assays may not accur ately represent biological function. In summary, the p.Arg240Trp variant is of uncertain significance..

OMIM
Classification: Pathogenic for PORPHYRIA, ACUTE HEPATIC. Last evaluated: 1992-05-01. Review status: no assertion criteria provided. Collection method: literature only. Allele origin: germline. Not counted in ClinVar's aggregate classification.

Literature cited by the submitters: PubMed 513604 (cited by OMIM); PubMed 1905639 (cited by OMIM); PubMed 1569184 (cited by OMIM).

NM_000031.6(ALAD):c.718C>T (p.Arg240Trp)

Gene: ALAD (aminolevulinate dehydratase; minus strand). Cytogenetic location: 9q32.
Variant type: single nucleotide variant.
Coding change: c.718C>T on transcript NM_000031.6 (MANE Select); coding-DNA position 718, C replaced by T.
Protein change: p.Arg240Trp; replaces arginine 240 with tryptophan.
Molecular consequence: missense variant.
Genome position (GRCh38, 1-based): chr9:113,389,521, G>A on the plus strand (C>T on the coding strand, the complement: ALAD is on the minus strand). VCF-style: chr9-113389521-G-A. GRCh37 (hg19) VCF-style: chr9-116151801-G-A.
Other names: c.805C>T, p.Arg269Trp (NM_001003945.3); c.694C>T, p.Arg232Trp (NM_001317745.2); short protein forms R240W, R232W, R269W.
Identifiers: ClinVar variation 16865 (VCV000016865.4), dbSNP rs121912982, ClinGen allele CA126935.